The following is an entry in ClinVar:

ClinVar aggregate classification (germline): Benign (1 of 4 stars; one submission).

Allele frequency attached by ClinVar (database versions not stated): 1000 Genomes Project 0.00200; 1000 Genomes Project 30x 0.00281; ESP Exome Variant Server 0.00456.
gnomAD v4.1: 11,827 of 1,516,912 alleles (0.78%); highest among the groups gnomAD compares: Non-Finnish European, 0.83%; 80 homozygotes.

Submission:

CeGaT Center for Human Genetics Tuebingen
Classification: Benign. Last evaluated: 2026-07-01. Review status: criteria provided, single submitter. Criteria: CeGaT Center For Human Genetics Tuebingen Variant Classification Criteria Version 2. Collection method: clinical testing. Allele origin: germline. Affected: yes. Observed: 34 variant alleles.
Comment: BICRA: BP4, BP7, BS1, BS2

NM_001394372.1(BICRA):c.4659C>A (p.Leu1553=)

Gene: BICRA (BRD4 interacting chromatin remodeling complex associated protein; plus strand). Cytogenetic location: 19q13.33.
Variant type: single nucleotide variant.
Coding change: c.4659C>A on transcript NM_001394372.1 (MANE Select); coding-DNA position 4659, C replaced by A.
Protein change: p.Leu1553=; no amino-acid change (leucine 1553 retained).
Molecular consequence: synonymous variant.
Genome position (GRCh38, 1-based): chr19:47,702,391, C>A. VCF-style: chr19-47702391-C-A. GRCh37 (hg19) VCF-style: chr19-48205648-C-A.
Other names: c.4659C>A, p.Leu1553= (NM_015711.3).
Identifiers: ClinVar variation 1694932 (VCV001694932.31), dbSNP rs200264419, ClinGen allele CA9542480.